The following is an entry in ClinVar:

ClinVar aggregate classification (germline): Uncertain significance (1 of 4 stars; one submission).

Conditions:
Charcot-Marie-Tooth disease axonal type 2V. Also called: CHARCOT-MARIE-TOOTH NEUROPATHY, TYPE 2V; CHARCOT-MARIE-TOOTH DISEASE, AXONAL, AUTOSOMAL DOMINANT, TYPE 2V. Identifiers: Orphanet 447964, MedGen C5569050, MONDO:0014665, OMIM 616491.
Mucopolysaccharidosis, MPS-III-B (MPS3B). Also called: N-ACETYL-ALPHA-D-GLUCOSAMINIDASE DEFICIENCY; NAGLU DEFICIENCY; SANFILIPPO SYNDROME B; MPS III B; Mucopolysaccharidosis type IIIB (Sanfilippo B); MUCOPOLYSACCHARIDOSIS, TYPE IIIB. Identifiers: Orphanet 79270, MedGen C0086648, MONDO:0009656, OMIM 252920.

gnomAD v4.1: 2 of 1,613,168 alleles (0.00012%); highest among the groups gnomAD compares: Non-Finnish European, 0.00017%; no homozygotes.

Submission:

Labcorp Genetics (formerly Invitae), Labcorp
Classification: Uncertain significance for Charcot-Marie-Tooth disease axonal type 2V; Mucopolysaccharidosis, MPS-III-B. Last evaluated: 2024-10-11. Review status: criteria provided, single submitter. Criteria: Invitae Variant Classification Sherloc (09022015). Collection method: clinical testing. Allele origin: germline.
Comment: This sequence change replaces alanine, which is neutral and non-polar, with glycine, which is neutral and non-polar, at codon 444 of the NAGLU protein (p.Ala444Gly). This variant is not present in population databases (gnomAD no frequency). This variant has not been reported in the literature in individuals affected with NAGLU-related conditions. Invitae Evidence Modeling of protein sequence and biophysical properties (such as structural, functional, and spatial information, amino acid conservation, physicochemical variation, residue mobility, and thermodynamic stability) has been performed for this missense variant. However, the output from this modeling did not meet the statistical confidence thresholds required to predict the impact of this variant on NAGLU protein function. In summary, the available evidence is currently insufficient to determine the role of this variant in disease. Therefore, it has been classified as a Variant of Uncertain Significance.

NM_000263.4(NAGLU):c.1331C>G (p.Ala444Gly)

Gene: NAGLU (N-acetyl-alpha-glucosaminidase; plus strand). Cytogenetic location: 17q21.2.
Variant type: single nucleotide variant.
Coding change: c.1331C>G on transcript NM_000263.4 (MANE Select); coding-DNA position 1331, C replaced by G.
Protein change: p.Ala444Gly; replaces alanine 444 with glycine.
Molecular consequence: missense variant.
Genome position (GRCh38, 1-based): chr17:42,543,337, C>G. VCF-style: chr17-42543337-C-G. GRCh37 (hg19) VCF-style: chr17-40695355-C-G.
Other names: short protein forms A444G.
Identifiers: ClinVar variation 3762038 (VCV003762038.2).
Genomic context (GRCh38, chr17:42,543,337, plus strand): 5'-ACGGAGGCCCAGAAGCTGCCCGCCTCTTCCCCAACTCCACCATGGTAGGCACGGGCATGG[C>G]CCCCGAGGGCATCAGCCAGAACGAAGTGGTCTATTCCCTCATGGCTGAGCTGGGCTGGCG-3'
Protein context (NP_000254.2, residues 434-454): PNSTMVGTGM[Ala444Gly]PEGISQNEVV